The following is an entry in ClinVar:

NM_014314.4(RIGI):c.1687G>A (p.Ala563Thr)

Gene: RIGI (RNA sensor RIG-I; minus strand). Cytogenetic location: 9p21.1.
Variant type: single nucleotide variant.
Coding change: c.1687G>A on transcript NM_014314.4 (MANE Select); coding-DNA position 1687, G replaced by A.
Protein change: p.Ala563Thr; replaces alanine 563 with threonine.
Molecular consequence: missense variant.
Genome position (GRCh38, 1-based): chr9:32,480,306, C>T on the plus strand (G>A on the coding strand, the complement: RIGI is on the minus strand). VCF-style: chr9-32480306-C-T. GRCh37 (hg19) VCF-style: chr9-32480304-C-T.
Other names: c.1681G>A, p.Ala561Thr (NM_001385907.1); c.1687G>A, p.Ala563Thr (NM_001385909.1); c.1246G>A, p.Ala416Thr (NM_001385910.1); c.1078G>A, p.Ala360Thr (NM_001385912.1); c.1672G>A, p.Ala558Thr (NM_001385913.1); c.1243G>A, p.Ala415Thr (NM_001385914.1); short protein forms A360T, A415T, A416T, A558T, A561T, A563T.
Identifiers: ClinVar variation 2442680 (VCV002442680.1), dbSNP rs2489317544, ClinGen allele CA373151831.

ClinVar aggregate classification (germline): Uncertain significance (1 of 4 stars; one submission).

Submission:

GeneDx
Classification: Uncertain significance. Last evaluated: 2022-08-31. Review status: criteria provided, single submitter. Criteria: GeneDx Variant Classification Process June 2021. Collection method: clinical testing. Allele origin: germline. Affected: yes.
Comment: Has not been previously published as pathogenic or benign to our knowledge; Not observed at significant frequency in large population cohorts (gnomAD); In silico analysis supports that this missense variant has a deleterious effect on protein structure/function